The following is an entry in ClinVar:

NM_001437.3(ESR2):c.619C>T (p.Arg207Trp)

Gene: ESR2 (estrogen receptor 2; minus strand). Cytogenetic location: 14q23.2.
Variant type: single nucleotide variant.
Coding change: c.619C>T on transcript NM_001437.3 (MANE Select); coding-DNA position 619, C replaced by T.
Protein change: p.Arg207Trp; replaces arginine 207 with tryptophan.
Molecular consequence: missense variant. On other transcripts: non-coding transcript variant (2).
Genome position (GRCh38, 1-based): chr14:64,268,828, G>A on the plus strand (C>T on the coding strand, the complement: ESR2 is on the minus strand). VCF-style: chr14-64268828-G-A. GRCh37 (hg19) VCF-style: chr14-64735546-G-A.
Other names: c.619C>T, p.Arg207Trp (NM_001040275.1, NM_001214902.1, NM_001271876.1 and 3 more transcripts); short protein forms R207W.
Identifiers: ClinVar variation 1988585 (VCV001988585.4), dbSNP rs371856990, ClinGen allele CA7225531.

ClinVar aggregate classification (germline): Uncertain significance (1 of 4 stars; one submission).

Allele frequency attached by ClinVar (database versions not stated): TOPMed 0.00004; gnomAD 0.00005; gnomAD exomes 0.00006; ESP Exome Variant Server 0.00008; ExAC 0.00009.
gnomAD v4.1: 100 of 1,613,410 alleles (0.0062%); highest among the groups gnomAD compares: Middle Eastern, 0.016%; no homozygotes.

Submission:

Labcorp Genetics (formerly Invitae), Labcorp
Classification: Uncertain significance. Last evaluated: 2022-07-12. Review status: criteria provided, single submitter. Criteria: Invitae Variant Classification Sherloc (09022015). Collection method: clinical testing. Allele origin: germline.
Comment: This sequence change replaces arginine, which is basic and polar, with tryptophan, which is neutral and slightly polar, at codon 207 of the ESR2 protein (p.Arg207Trp). In summary, the available evidence is currently insufficient to determine the role of this variant in disease. Therefore, it has been classified as a Variant of Uncertain Significance. Algorithms developed to predict the effect of missense changes on protein structure and function are either unavailable or do not agree on the potential impact of this missense change (SIFT: "Deleterious"; PolyPhen-2: "Probably Damaging"; Align-GVGD: "Class C0"). This variant has not been reported in the literature in individuals affected with ESR2-related conditions. This variant is present in population databases (rs371856990, gnomAD 0.01%).